The following is an entry in ClinVar:

NM_178822.5(IGSF10):c.3797C>G (p.Thr1266Ser)

Gene: IGSF10 (immunoglobulin superfamily member 10; minus strand). Cytogenetic location: 3q25.1.
Variant type: single nucleotide variant.
Coding change: c.3797C>G on transcript NM_178822.5 (MANE Select); coding-DNA position 3797, C replaced by G.
Protein change: p.Thr1266Ser; replaces threonine 1266 with serine.
Molecular consequence: missense variant.
Genome position (GRCh38, 1-based): chr3:151,446,184, G>C on the plus strand (C>G on the coding strand, the complement: IGSF10 is on the minus strand). VCF-style: chr3-151446184-G-C. GRCh37 (hg19) VCF-style: chr3-151163972-G-C.
Other names: c.3797C>G (NM_178822.4); c.3797C>G, p.Thr1266Ser (NM_001385060.1, NM_001385061.1, NM_001385062.1 and 1 more transcripts); short protein forms T1266S.
Identifiers: ClinVar variation 1595795 (VCV001595795.34), dbSNP rs114582530, ClinGen allele CA2670094.

ClinVar aggregate classification (germline): Likely benign. Review status: criteria provided, multiple submitters, no conflicts (2 of 4 stars). 4 submissions from 4 submitters: Likely benign (3). 1 of the submissions does not count toward it. Last evaluated 2025-12-27.

Conditions:
IGSF10-related disorder. Also called: IGSF10-related condition.

Allele frequency attached by ClinVar (database versions not stated): 1000 Genomes Project 30x 0.00094; 1000 Genomes Project 0.00100; gnomAD exomes 0.00165 and 0.00280; ExAC 0.00167; gnomAD 0.00183; ESP Exome Variant Server 0.00215.
gnomAD v4.1: 4,326 of 1,614,006 alleles (0.27%); highest among the groups gnomAD compares: Non-Finnish European, 0.33%; 14 homozygotes.

Submissions (4):

Labcorp Genetics (formerly Invitae), Labcorp
Classification: Likely benign. Last evaluated: 2025-12-27. Review status: criteria provided, single submitter. Criteria: Invitae Variant Classification Sherloc (09022015). Collection method: clinical testing. Allele origin: germline.

CeGaT Center for Human Genetics Tuebingen
Classification: Likely benign. Last evaluated: 2025-02-01. Review status: criteria provided, single submitter. Criteria: CeGaT Center For Human Genetics Tuebingen Variant Classification Criteria Version 2. Collection method: clinical testing. Allele origin: germline. Affected: yes. Observed: 2 variant alleles.
Comment: IGSF10: BP4, BS2

Breakthrough Genomics
Classification: Likely benign. Review status: criteria provided, single submitter. Criteria: ACMG Guidelines, 2015. Collection method: not provided. Allele origin: germline. Inheritance: Unknown mechanism. Affected: yes.

PreventionGenetics, part of Exact Sciences
Classification: Likely benign for IGSF10-related condition. Last evaluated: 2023-03-22. Review status: no assertion criteria provided. Collection method: clinical testing. Allele origin: germline. Not counted in ClinVar's aggregate classification.
Comment: This variant is classified as likely benign based on ACMG/AMP sequence variant interpretation guidelines (Richards et al. 2015 PMID: 25741868, with internal and published modifications).